The following is an entry in ClinVar:

NM_001360.3(DHCR7):c.116C>G (p.Ser39Ter)

Gene: DHCR7 (7-dehydrocholesterol reductase; minus strand). Cytogenetic location: 11q13.4.
Variant type: single nucleotide variant.
Coding change: c.116C>G on transcript NM_001360.3 (MANE Select); coding-DNA position 116, C replaced by G.
Protein change: p.Ser39Ter; replaces serine 39 with a stop codon.
Molecular consequence: nonsense.
Genome position (GRCh38, 1-based): chr11:71,444,198, G>C on the plus strand (C>G on the coding strand, the complement: DHCR7 is on the minus strand). VCF-style: chr11-71444198-G-C. GRCh37 (hg19) VCF-style: chr11-71155244-G-C.
Other names: c.116C>G, p.Ser39Ter (NM_001163817.2); short protein forms S39*.
Identifiers: ClinVar variation 983928 (VCV000983928.3), dbSNP rs1467346010, ClinGen allele CA381696720.
Genomic context (GRCh38, chr11:71,444,198, plus strand): 5'-ATGATGAAGTAGTAGACGATGAAGGGGGCGAACAGCAGTAGGAAGATGACGCTCGCCAGT[G>C]AAAACCAGTCCACCTCCCTGCGAGGACGGATGCAGGCAGTCACACTGGGGCCCATCTGCC-3'

ClinVar aggregate classification (germline): Likely pathogenic (1 of 4 stars; one submission).

Conditions:
Smith-Lemli-Opitz syndrome (SLOS). Also called: POLYDACTYLY, SEX REVERSAL, RENAL HYPOPLASIA, AND UNILOBAR LUNG; RSH SYNDROME; RUTLEDGE LETHAL MULTIPLE CONGENITAL ANOMALY SYNDROME; 7-Dehydrocholesterol reductase deficiency; LETHAL ACRODYSGENITAL SYNDROME. Identifiers: Orphanet 818, MedGen C0175694, MONDO:0010035, OMIM 270400.

Submission:

Myriad Genetics, Inc.
Classification: Likely pathogenic for Smith-Lemli-Opitz syndrome. Last evaluated: 2019-09-09. Review status: criteria provided, single submitter. Criteria: Myriad Women's Health Autosomal Recessive and X-Linked Classification Criteria (2019). Collection method: clinical testing. Allele origin: unknown.
Comment: NM_001360.2(DHCR7):c.116C>G(S39*) is expected to be pathogenic in the context of Smith-Lemli-Opitz syndrome. This variant is predicted to lead to an abnormal or absent protein product due to the creation of a premature termination codon in DHCR7, a gene where loss-of-function variants are known to be pathogenic. Please note: this variant was assessed in the context of healthy population screening.